The following is an entry in ClinVar:

ClinVar aggregate classification (germline): Uncertain significance (1 of 4 stars; one submission).

Conditions:
Inborn genetic diseases. Identifiers: MedGen C0950123, MeSH D030342.

gnomAD v4.1: 1 of 1,612,262 alleles (0.000062%); highest among the groups gnomAD compares: Non-Finnish European, 0.000085%; no homozygotes.

Submission:

Ambry Genetics
Classification: Uncertain significance for Inborn genetic diseases. Last evaluated: 2025-08-23. Review status: criteria provided, single submitter. Criteria: Ambry Variant Classification Scheme 2023. Collection method: clinical testing. Allele origin: germline.
Comment: The p.D515V variant (also known as c.1544A>T), located in coding exon 15 of the ANKRD26 gene, results from an A to T substitution at nucleotide position 1544. The aspartic acid at codon 515 is replaced by valine, an amino acid with highly dissimilar properties. This amino acid position is conserved. In addition, this alteration is predicted to be tolerated by in silico analysis. Based on the available evidence, the clinical significance of this variant remains unclear.

NM_014915.3(ANKRD26):c.1544A>T (p.Asp515Val)

Gene: ANKRD26 (ankyrin repeat domain containing 26; minus strand). Cytogenetic location: 10p12.1.
Variant type: single nucleotide variant.
Coding change: c.1544A>T on transcript NM_014915.3 (MANE Select); coding-DNA position 1544, A replaced by T.
Protein change: p.Asp515Val; replaces aspartic acid 515 with valine.
Molecular consequence: missense variant.
Genome position (GRCh38, 1-based): chr10:27,060,365, T>A on the plus strand (A>T on the coding strand, the complement: ANKRD26 is on the minus strand). VCF-style: chr10-27060365-T-A. GRCh37 (hg19) VCF-style: chr10-27349294-T-A.
Other names: c.1544A>T, p.Asp515Val (NM_001256053.2); short protein forms D515V.
Identifiers: ClinVar variation 4102602 (VCV004102602.1).